The following is an entry in ClinVar:

ClinVar aggregate classification (germline): Likely benign (0 of 4 stars; one submission).

Conditions:
FAM131A-related disorder. Also called: FAM131A-related condition.

Allele frequency attached by ClinVar (database versions not stated): 1000 Genomes Project 0.00020; 1000 Genomes Project 30x 0.00031; ExAC 0.00093; gnomAD 0.00111; TOPMed 0.00138; ESP Exome Variant Server 0.00161; gnomAD exomes 0.00170.
gnomAD v4.1: 2,632 of 1,614,040 alleles (0.16%); highest among the groups gnomAD compares: Non-Finnish European, 0.2%; no homozygotes.

Submission:

PreventionGenetics, part of Exact Sciences
Classification: Likely benign for FAM131A-related condition. Last evaluated: 2022-02-21. Review status: no assertion criteria provided. Collection method: clinical testing. Allele origin: germline.
Comment: This variant is classified as likely benign based on ACMG/AMP sequence variant interpretation guidelines (Richards et al. 2015 PMID: 25741868, with internal and published modifications).

NM_144635.5(FAM131A):c.302C>T (p.Ala101Val)

Gene: FAM131A (family with sequence similarity 131 member A; plus strand). Cytogenetic location: 3q27.1.
Variant type: single nucleotide variant.
Coding change: c.302C>T on transcript NM_144635.5 (MANE Select); coding-DNA position 302, C replaced by T.
Protein change: p.Ala101Val; replaces alanine 101 with valine.
Molecular consequence: missense variant.
Genome position (GRCh38, 1-based): chr3:184,341,794, C>T. VCF-style: chr3-184341794-C-T. GRCh37 (hg19) VCF-style: chr3-184059582-C-T.
Other names: c.47C>T, p.Ala16Val (NM_001171093.2, NM_001366133.1, NM_001366134.1); short protein forms A101V, A16V.
Identifiers: ClinVar variation 3042259 (VCV003042259.2), dbSNP rs187325668, ClinGen allele CA2733329.